The following is an entry in ClinVar:

ClinVar aggregate classification (germline): Uncertain significance (1 of 4 stars; one submission).

Conditions:
Hereditary cancer-predisposing syndrome. Also called: Neoplastic Syndromes, Hereditary; Tumor predisposition; Hereditary Cancer Syndrome; Hereditary neoplastic syndrome. Identifiers: Orphanet 140162, MedGen C0027672, MeSH D009386, MONDO:0015356.

Submission:

Ambry Genetics
Classification: Uncertain significance for Hereditary cancer-predisposing syndrome. Last evaluated: 2021-07-15. Review status: criteria provided, single submitter. Criteria: Ambry Variant Classification Scheme 2023. Collection method: clinical testing. Allele origin: germline.
Comment: The p.D577N variant (also known as c.1729G>A), located in coding exon 14 of the POT1 gene, results from a G to A substitution at nucleotide position 1729. The aspartic acid at codon 577 is replaced by asparagine, an amino acid with highly similar properties. This amino acid position is not well conserved in available vertebrate species, and asparagine is the reference amino acid in other vertebrate species. In addition, this alteration is predicted to be tolerated by in silico analysis. Since supporting evidence is limited at this time, the clinical significance of this alteration remains unclear.

NM_015450.3(POT1):c.1729G>A (p.Asp577Asn)

Gene: POT1 (protection of telomeres 1; minus strand). Cytogenetic location: 7q31.33.
Variant type: single nucleotide variant.
Coding change: c.1729G>A on transcript NM_015450.3 (MANE Select); coding-DNA position 1729, G replaced by A.
Protein change: p.Asp577Asn; replaces aspartic acid 577 with asparagine.
Molecular consequence: missense variant. On other transcripts: non-coding transcript variant (3).
Genome position (GRCh38, 1-based): chr7:124,825,315, C>T on the plus strand (G>A on the coding strand, the complement: POT1 is on the minus strand). VCF-style: chr7-124825315-C-T. GRCh37 (hg19) VCF-style: chr7-124465369-C-T.
Other names: c.1336G>A, p.Asp446Asn (NM_001042594.2); short protein forms D446N, D577N.
Identifiers: ClinVar variation 1778924 (VCV001778924.2), dbSNP rs764901825, ClinGen allele CA166093025.
Genomic context (GRCh38, chr7:124,825,315, plus strand): 5'-TTTTTATTCCTGGAGGACAAAACATATCCATGATCATATCCACACTTTTCTGAAGGTCAT[C>T]ATCCATCAGAACTTCTGATGCTGGAATCTGGAAGAATTTGTCCTTAAAAATGTTTCATGA-3'
Protein context (NP_056265.2, residues 567-587): QIPASEVLMD[Asp577Asn]DLQKSVDMIM